The following is an entry in ClinVar:

NM_001164508.2(NEB):c.9415-1G>A

Gene: NEB (nebulin; minus strand). Cytogenetic location: 2q23.3.
Variant type: single nucleotide variant.
Coding change: c.9415-1G>A on transcript NM_001164508.2 (MANE Select); the canonical splice acceptor site of the intron before coding-DNA position 9415, G replaced by A.
Molecular consequence: splice acceptor variant. On other transcripts: intron variant (1).
Genome position (GRCh38, 1-based): chr2:151,631,347, C>T on the plus strand (G>A on the coding strand, the complement: NEB is on the minus strand). VCF-style: chr2-151631347-C-T. GRCh37 (hg19) VCF-style: chr2-152487861-C-T.
Other names: c.8854-169G>A (NM_004543.5); c.9415-1G>A (NM_001164507.2, NM_001271208.2).
Identifiers: ClinVar variation 2839942 (VCV002839942.3), dbSNP rs746567958, ClinGen allele CA1909324.

ClinVar aggregate classification (germline): Likely pathogenic (1 of 4 stars; one submission).

Conditions:
Nemaline myopathy 2 (NEM2). Also called: Nemaline myopathy 2, autosomal recessive. Identifiers: MedGen C1850569, MONDO:0009725, OMIM 256030.

Allele frequency attached by ClinVar (database versions not stated): gnomAD exomes below 0.00001; ExAC 0.00002.
gnomAD v4.1: 4 of 1,609,684 alleles (0.00025%); highest among the groups gnomAD compares: Non-Finnish European, 0.00025%; no homozygotes.

Submission:

Labcorp Genetics (formerly Invitae), Labcorp
Classification: Likely pathogenic for Nemaline myopathy 2. Last evaluated: 2023-02-22. Review status: criteria provided, single submitter. Criteria: Invitae Variant Classification Sherloc (09022015). Collection method: clinical testing. Allele origin: germline.
Comment: In summary, the currently available evidence indicates that the variant is pathogenic, but additional data are needed to prove that conclusively. Therefore, this variant has been classified as Likely Pathogenic. Algorithms developed to predict the effect of sequence changes on RNA splicing suggest that this variant may disrupt the consensus splice site. This variant has not been reported in the literature in individuals affected with NEB-related conditions. This variant is present in population databases (rs746567958, gnomAD 0.002%). This sequence change affects an acceptor splice site in intron 65 of the NEB gene. It is expected to disrupt RNA splicing. Variants that disrupt the donor or acceptor splice site typically lead to a loss of protein function (PMID: 16199547), and loss-of-function variants in NEB are known to be pathogenic (PMID: 25205138).

Literature cited by the submitters: PubMed 16199547; PubMed 25205138.